The following is an entry in ClinVar:

NM_006269.2(RP1):c.2016G>T (p.Lys672Asn)

Gene: RP1 (RP1 axonemal microtubule associated; plus strand). Cytogenetic location: 8q12.1.
Variant type: single nucleotide variant.
Coding change: c.2016G>T on transcript NM_006269.2 (MANE Select); coding-DNA position 2016, G replaced by T.
Protein change: p.Lys672Asn; replaces lysine 672 with asparagine.
Molecular consequence: missense variant. On other transcripts: intron variant (1).
Genome position (GRCh38, 1-based): chr8:54,625,898, G>T. VCF-style: chr8-54625898-G-T. GRCh37 (hg19) VCF-style: chr8-55538458-G-T.
Other names: c.787+3610G>T (NM_001375654.1); short protein forms K672N.
Identifiers: ClinVar variation 912166 (VCV000912166.11), dbSNP rs200252967, ClinGen allele CA4751465.
Genomic context (GRCh38, chr8:54,625,898, plus strand): 5'-TGGTTTAACAAAACTTCCAAAAAATGAAAAGAAGATTTTGTCATCTGTTGCCAGCAAAAA[G>T]AAGAAAAAATCTCGACAGCAAGCAATAAATTCCAGGTATCAAGATGGACAGCTTGCAACC-3'
Protein context (NP_006260.1, residues 662-682): KKILSSVASK[Lys672Asn]KKKSRQQAIN

ClinVar aggregate classification (germline): Uncertain significance. Review status: criteria provided, multiple submitters, no conflicts (2 of 4 stars). 4 submissions from 4 submitters: Uncertain significance (4). Last evaluated 2025-03-04.

Conditions:
Retinitis pigmentosa (RP). Identifiers: Orphanet 791, MedGen C0035334, MeSH D012174, MONDO:0019200, OMIM 268000. Inheritance: Autosomal dominant, autosomal recessive and X linked inheritance.
Inborn genetic diseases. Identifiers: MedGen C0950123, MeSH D030342.

Allele frequency attached by ClinVar (database versions not stated): ExAC 0.00002; gnomAD exomes 0.00003; TOPMed 0.00006; gnomAD 0.00009 and 0.00010.
gnomAD v4.1: 199 of 1,613,570 alleles (0.012%); highest among the groups gnomAD compares: Non-Finnish European, 0.017%; no homozygotes.

Submissions (4):

Labcorp Genetics (formerly Invitae), Labcorp
Classification: Uncertain significance. Last evaluated: 2025-03-04. Review status: criteria provided, single submitter. Criteria: Invitae Variant Classification Sherloc (09022015). Collection method: clinical testing. Allele origin: germline.
Comment: This sequence change replaces lysine, which is basic and polar, with asparagine, which is neutral and polar, at codon 672 of the RP1 protein (p.Lys672Asn). This variant is present in population databases (rs200252967, gnomAD 0.007%). This variant has not been reported in the literature in individuals affected with RP1-related conditions. ClinVar contains an entry for this variant (Variation ID: 912166). An algorithm developed to predict the effect of missense changes on protein structure and function (PolyPhen-2) suggests that this variant is likely to be disruptive. In summary, the available evidence is currently insufficient to determine the role of this variant in disease. Therefore, it has been classified as a Variant of Uncertain Significance.

Ambry Genetics
Classification: Uncertain significance for Inborn genetic diseases. Last evaluated: 2025-02-13. Review status: criteria provided, single submitter. Criteria: Ambry Variant Classification Scheme 2023. Collection method: clinical testing. Allele origin: germline.

Blueprint Genetics
Classification: Uncertain significance. Last evaluated: 2023-10-03. Review status: criteria provided, single submitter. Criteria: ACMG Guidelines, 2015. Collection method: clinical testing. Allele origin: germline.

Illumina Laboratory Services, Illumina
Classification: Uncertain significance for Retinitis pigmentosa. Last evaluated: 2018-01-12. Review status: criteria provided, single submitter. Criteria: ICSL Variant Classification Criteria 13 December 2019. Collection method: clinical testing. Allele origin: germline.